The following is an entry in ClinVar:

NM_005138.3(SCO2):c.527C>T (p.Ala176Val)

Genes: NCAPH2 (non-SMC condensin II complex subunit H2; plus strand), SCO2 (synthesis of cytochrome C oxidase 2; minus strand). Cytogenetic location: 22q13.33.
Variant type: single nucleotide variant.
Coding change: c.527C>T on transcript NM_005138.3 (MANE Select); coding-DNA position 527, C replaced by T.
Protein change: p.Ala176Val; replaces alanine 176 with valine.
Molecular consequence: missense variant. On other transcripts: 3 prime UTR variant (2).
Genome position (GRCh38, 1-based): chr22:50,523,885, G>A on the plus strand (C>T on the coding strand, the complement: SCO2 is on the minus strand). VCF-style: chr22-50523885-G-A. GRCh37 (hg19) VCF-style: chr22-50962314-G-A.
Other names: c.*510G>A (NM_001185011.2, NM_152299.4); c.527C>T, p.Ala176Val (NM_001169109.2, NM_001169110.1, NM_001169111.2); short protein forms A176V.
Identifiers: ClinVar variation 215128 (VCV000215128.10), dbSNP rs566087824, ClinGen allele CA324204.

ClinVar aggregate classification (germline): Uncertain significance. Review status: criteria provided, multiple submitters, no conflicts (2 of 4 stars). 3 submissions from 3 submitters: Uncertain significance (3). Last evaluated 2025-06-23.

Conditions:
Inborn genetic diseases. Identifiers: MedGen C0950123, MeSH D030342.

Allele frequency attached by ClinVar (database versions not stated): ExAC 0.00002; TOPMed 0.00004; gnomAD 0.00001; gnomAD exomes 0.00002 and 0.00006; 1000 Genomes Project 0.00020; 1000 Genomes Project 30x 0.00031.
gnomAD v4.1: 31 of 1,613,920 alleles (0.0019%); highest among the groups gnomAD compares: Admixed American, 0.03%; 1 homozygote.

Submissions (3):

GeneDx
Classification: Uncertain significance. Last evaluated: 2025-06-23. Review status: criteria provided, single submitter. Criteria: GeneDx Variant Classification Process June 2021. Collection method: clinical testing. Allele origin: germline. Affected: yes.
Comment: Has not been previously published as pathogenic or benign to our knowledge; In silico analysis suggests that this missense variant does not alter protein structure/function

Ambry Genetics
Classification: Uncertain significance for Inborn genetic diseases. Last evaluated: 2024-01-16. Review status: criteria provided, single submitter. Criteria: Ambry Variant Classification Scheme 2023. Collection method: clinical testing. Allele origin: germline.

Labcorp Genetics (formerly Invitae), Labcorp
Classification: Uncertain significance. Last evaluated: 2022-09-12. Review status: criteria provided, single submitter. Criteria: Invitae Variant Classification Sherloc (09022015). Collection method: clinical testing. Allele origin: germline.
Comment: This sequence change replaces alanine, which is neutral and non-polar, with valine, which is neutral and non-polar, at codon 176 of the SCO2 protein (p.Ala176Val). This variant is present in population databases (rs566087824, gnomAD 0.04%). This variant has not been reported in the literature in individuals affected with SCO2-related conditions. ClinVar contains an entry for this variant (Variation ID: 215128). Advanced modeling of protein sequence and biophysical properties (such as structural, functional, and spatial information, amino acid conservation, physicochemical variation, residue mobility, and thermodynamic stability) performed at Invitae indicates that this missense variant is not expected to disrupt SCO2 protein function. In summary, the available evidence is currently insufficient to determine the role of this variant in disease. Therefore, it has been classified as a Variant of Uncertain Significance.